The following is an entry in ClinVar:

NM_000503.6(EYA1):c.944C>T (p.Pro315Leu)

Gene: EYA1 (EYA transcriptional coactivator and phosphatase 1; minus strand). Cytogenetic location: 8q13.3.
Variant type: single nucleotide variant.
Coding change: c.944C>T on transcript NM_000503.6 (MANE Select); coding-DNA position 944, C replaced by T.
Protein change: p.Pro315Leu; replaces proline 315 with leucine.
Molecular consequence: missense variant.
Genome position (GRCh38, 1-based): chr8:71,271,780, G>A on the plus strand (C>T on the coding strand, the complement: EYA1 is on the minus strand). VCF-style: chr8-71271780-G-A. GRCh37 (hg19) VCF-style: chr8-72184015-G-A.
Other names: c.926C>T, p.Pro309Leu (NM_001288574.2); c.578C>T, p.Pro193Leu (NM_001288575.2); c.1031C>T, p.Pro344Leu (NM_001370333.1); c.944C>T, p.Pro315Leu (NM_001370334.1, NM_001370335.1, NM_172058.4); c.1013C>T, p.Pro338Leu (NM_001370336.1); c.845C>T, p.Pro282Leu (NM_001411797.1, NM_172060.4); c.1016C>T, p.Pro339Leu (NM_172059.5); short protein forms P193L, P282L, P309L, P315L, P338L, P339L, P344L.
Identifiers: ClinVar variation 3389415 (VCV003389415.14).

ClinVar aggregate classification (germline): Uncertain significance (1 of 4 stars; one submission).

gnomAD v4.1: 2 of 1,614,212 alleles (0.00012%); highest among the groups gnomAD compares: Non-Finnish European, 0.000085%; no homozygotes.

Submission:

CeGaT Center for Human Genetics Tuebingen
Classification: Uncertain significance. Last evaluated: 2024-10-01. Review status: criteria provided, single submitter. Criteria: CeGaT Center For Human Genetics Tuebingen Variant Classification Criteria Version 2. Collection method: clinical testing. Allele origin: germline. Affected: yes. Observed: 1 variant allele.
Comment: EYA1: PM2:Supporting, PP3, BP1